The following is an entry in ClinVar:

NM_030665.4(RAI1):c.5643G>A (p.Pro1881=)

Gene: RAI1 (retinoic acid induced 1; plus strand). Cytogenetic location: 17p11.2.
Variant type: single nucleotide variant.
Coding change: c.5643G>A on transcript NM_030665.4 (MANE Select); coding-DNA position 5643, G replaced by A.
Protein change: p.Pro1881=; no amino-acid change (proline 1881 retained).
Molecular consequence: synonymous variant.
Genome position (GRCh38, 1-based): chr17:17,803,833, G>A. VCF-style: chr17-17803833-G-A. GRCh37 (hg19) VCF-style: chr17-17707147-G-A.
Other names: c.5643G>A (NM_030665.3).
Identifiers: ClinVar variation 1559173 (VCV001559173.9), dbSNP rs548093356, ClinGen allele CA8419232.

ClinVar aggregate classification (germline): Likely benign. Review status: criteria provided, single submitter (1 of 4 stars). 2 submissions from 2 submitters: Likely benign (1). 1 of the submissions does not count toward it. Last evaluated 2025-01-08.

Conditions:
RAI1-related disorder. Also called: RAI1-related condition.

Allele frequency attached by ClinVar (database versions not stated): TOPMed 0.00001; gnomAD exomes 0.00002; ExAC 0.00004; 1000 Genomes Project 30x 0.00016; 1000 Genomes Project 0.00020.
gnomAD v4.1: 27 of 1,613,396 alleles (0.0017%); highest among the groups gnomAD compares: East Asian, 0.0067%; no homozygotes.

Submissions (2):

Labcorp Genetics (formerly Invitae), Labcorp
Classification: Likely benign. Last evaluated: 2025-01-08. Review status: criteria provided, single submitter. Criteria: Invitae Variant Classification Sherloc (09022015). Collection method: clinical testing. Allele origin: germline.

PreventionGenetics, part of Exact Sciences
Classification: Likely benign for RAI1-related condition. Last evaluated: 2024-06-01. Review status: no assertion criteria provided. Collection method: clinical testing. Allele origin: germline. Not counted in ClinVar's aggregate classification.
Comment: This variant is classified as likely benign based on ACMG/AMP sequence variant interpretation guidelines (Richards et al. 2015 PMID: 25741868, with internal and published modifications).